The following is an entry in ClinVar:

ClinVar aggregate classification (germline): Likely pathogenic (1 of 4 stars; one submission).

Conditions:
Hyperlysinemia. Also called: Hyperlysinemias. Identifiers: Orphanet 2203, MedGen C0268553, MONDO:0009388, HP:0002161.

Submission:

Greenwood Genetic Center Diagnostic Laboratories, Greenwood Genetic Center
Classification: Likely pathogenic for HYPERLYSINEMIA, TYPE I. Last evaluated: 2021-11-01. Review status: criteria provided, single submitter. Criteria: ACMG Guidelines, 2015. Collection method: clinical testing. Allele origin: germline. Affected: yes.
Comment: PVS1, PM2

NM_005763.4(AASS):c.2196dup (p.Ala733fs)

Gene: AASS (aminoadipate-semialdehyde synthase; minus strand). Cytogenetic location: 7q31.32.
Variant type: Duplication.
Coding change: c.2196dup on transcript NM_005763.4 (MANE Select); coding-DNA position 2196, one base duplicated (A; older notation c.2196dupA).
Protein change: p.Ala733fs; shifts the reading frame from alanine 733.
Molecular consequence: frameshift variant.
Genome position (GRCh38, 1-based): chr7:122,081,584, T duplicated on the plus strand (A on the coding strand, the reverse complement: AASS is on the minus strand); the first of 3 consecutive T bases (chr7:122,081,584-122,081,586); duplicating any one gives the same sequence. VCF-style (leftmost placement, unchanged base first): chr7-122081583-C-CT. GRCh37 (hg19) VCF-style: chr7-121721637-C-CT.
Other names: short protein forms A733fs.
Identifiers: ClinVar variation 1334629 (VCV001334629.4), dbSNP rs1473312640, ClinGen allele CA832537963.